The following is an entry in ClinVar:

NM_001385641.1(SAMD11):c.940_958dup (p.Arg320fs)

Gene: SAMD11 (sterile alpha motif domain containing 11; plus strand). Cytogenetic location: 1p36.33.
Variant type: Duplication.
Coding change: c.940_958dup on transcript NM_001385641.1 (MANE Select); coding-DNA positions 940 to 958, 19 bases duplicated (AGCCTGGAGATTGGCCTGC).
Protein change: p.Arg320fs; shifts the reading frame from arginine 320.
Molecular consequence: frameshift variant.
Genome position (GRCh38, 1-based): chr1:935,869-935,887, AGCCTGGAGATTGGCCTGC duplicated; duplicating any 19 consecutive bases within chr1:935,867-935,887 gives the same sequence; the c. name uses the placement nearest the transcript's 3' end. VCF-style (leftmost placement, unchanged base first): chr1-935866-G-GGCAGCCTGGAGATTGGCCT. GRCh37 (hg19) VCF-style: chr1-871246-G-GGCAGCCTGGAGATTGGCCT.
Other names: c.940_958dup, p.Arg320fs (NM_001385640.1); c.403_421dup, p.Arg141fs (NM_152486.4); short protein forms R141fs, R320fs.
Identifiers: ClinVar variation 1057892 (VCV001057892.7), dbSNP rs2100330388, ClinGen allele CA2499214868.

ClinVar aggregate classification (germline): Uncertain significance (1 of 4 stars; one submission).

Submission:

Labcorp Genetics (formerly Invitae), Labcorp
Classification: Uncertain significance. Last evaluated: 2023-05-08. Review status: criteria provided, single submitter. Criteria: Invitae Variant Classification Sherloc (09022015). Collection method: clinical testing. Allele origin: germline.
Comment: In summary, the available evidence is currently insufficient to determine the role of this variant in disease. Therefore, it has been classified as a Variant of Uncertain Significance. ClinVar contains an entry for this variant (Variation ID: 1057892). This variant has not been reported in the literature in individuals affected with SAMD11-related conditions. This variant is not present in population databases (gnomAD no frequency). This sequence change creates a premature translational stop signal (p.Arg141Glnfs*11) in the SAMD11 gene. It is expected to result in an absent or disrupted protein product. However, the current clinical and genetic evidence is not sufficient to establish whether loss-of-function variants in SAMD11 cause disease.